The following is an entry in ClinVar:

ClinVar aggregate classification (germline): Conflicting classifications of pathogenicity. Review status: criteria provided, conflicting classifications (1 of 4 stars). 2 submissions from 2 submitters: Likely pathogenic (1); Uncertain significance (1). Last evaluated 2024-05-06.

Conditions:
Autosomal dominant nonsyndromic hearing loss 64. Identifiers: Orphanet 90635, MedGen C3279948, MONDO:0013593, OMIM 614152.

Submissions (2):

Laboratory of Prof. Karen Avraham, Tel Aviv University
Classification: Likely pathogenic for Autosomal dominant nonsyndromic hearing loss 64. Last evaluated: 2024-05-06. Review status: criteria provided, single submitter. Criteria: ACMG Guidelines, 2015. Collection method: research. Allele origin: germline. Affected: yes. Observed: 1 variant allele.
Comment: A frameshit variant in a known dominant deafness gene

DFNA64; high tone HL, normal-severe

Blueprint Genetics
Classification: Uncertain significance. Last evaluated: 2023-03-02. Review status: criteria provided, single submitter. Criteria: ACMG Guidelines, 2015. Collection method: clinical testing. Allele origin: germline.

NM_001371333.1(DIABLO):c.248_251del (p.Asp83fs)

Gene: DIABLO (diablo IAP-binding mitochondrial protein; minus strand). Cytogenetic location: 12q24.31.
Variant type: Deletion.
Coding change: c.248_251del on transcript NM_001371333.1 (MANE Select); coding-DNA positions 248 to 251, 4 bases deleted (ATAG; older notation c.248_251delATAG).
Protein change: p.Asp83fs; shifts the reading frame from aspartic acid 83.
Molecular consequence: frameshift variant. On other transcripts: intron variant (2).
Genome position (GRCh38, 1-based): chr12:122,218,330-122,218,333, CTAT deleted on the plus strand (ATAG on the coding strand, the reverse complement: DIABLO is on the minus strand); deleting any 4 consecutive bases within chr12:122,218,330-122,218,335 gives the same sequence; the c. name uses the placement nearest the transcript's 3' end. VCF-style (leftmost placement, unchanged base first): chr12-122218329-GCTAT-G. GRCh37 (hg19) VCF-style: chr12-122702876-GCTAT-G.
Other names: c.29_32del, p.Asp10fs (NM_001278303.1); c.89_92del, p.Asp30fs (NM_001278304.2, NM_138930.3); c.248_251del, p.Asp83fs (NM_019887.6); c.184-1464_184-1461del (NM_001278342.1); c.25-1464_25-1461del (NM_001278302.1); short protein forms D10fs, D30fs, D83fs.
Identifiers: ClinVar variation 3250382 (VCV003250382.2), dbSNP rs1954260410.